The following is an entry in ClinVar:

ClinVar aggregate classification (germline): Likely benign. Review status: criteria provided, multiple submitters, no conflicts (2 of 4 stars). 7 submissions from 7 submitters: Likely benign (7). Last evaluated 2025-12-16.

Conditions:
Cardiovascular phenotype. Identifiers: MedGen CN230736.
Hypertrophic cardiomyopathy. Also called: HYPERTROPHIC MYOCARDIOPATHY. Identifiers: Orphanet 217569, MedGen C0007194, MeSH D002312, MONDO:0005045, HP:0001639.
Cardiomyopathy (CMYO). Also called: Cardiomyopathies. Identifiers: Orphanet 167848, MedGen C0878544, MONDO:0004994, HP:0001638. Inheritance: Various modes of inheritance.

Allele frequency attached by ClinVar (database versions not stated): gnomAD 0.00001; ExAC 0.00002; gnomAD exomes 0.00003; TOPMed 0.00004.
gnomAD v4.1: 170 of 1,613,958 alleles (0.011%); highest among the groups gnomAD compares: Non-Finnish European, 0.014%; no homozygotes.

Submissions (7):

Labcorp Genetics (formerly Invitae), Labcorp
Classification: Likely benign for Hypertrophic cardiomyopathy. Last evaluated: 2025-12-16. Review status: criteria provided, single submitter. Criteria: Invitae Variant Classification Sherloc (09022015). Collection method: clinical testing. Allele origin: germline.

Blueprint Genetics
Classification: Likely benign. Last evaluated: 2023-11-24. Review status: criteria provided, single submitter. Criteria: ACMG Guidelines, 2015. Collection method: clinical testing. Allele origin: germline.

CHEO Genetics Diagnostic Laboratory, Children's Hospital of Eastern Ontario
Classification: Likely benign for Cardiomyopathy. Last evaluated: 2022-08-16. Review status: criteria provided, single submitter. Criteria: ACMG Guidelines, 2015. Collection method: clinical testing. Allele origin: germline.

Ambry Genetics
Classification: Likely benign for Cardiovascular phenotype. Last evaluated: 2020-02-18. Review status: criteria provided, single submitter. Criteria: Ambry Variant Classification Scheme 2023. Collection method: clinical testing. Allele origin: germline.

Color Diagnostics, LLC DBA Color Health
Classification: Likely benign for Cardiomyopathy. Last evaluated: 2018-09-29. Review status: criteria provided, single submitter. Criteria: ACMG Guidelines, 2015. Collection method: clinical testing. Allele origin: germline.

GeneDx
Classification: Likely benign. Last evaluated: 2017-04-04. Review status: criteria provided, single submitter. Criteria: GeneDx Variant Classification (06012015). Collection method: clinical testing. Allele origin: germline. Affected: yes.
Comment: This variant is considered likely benign or benign based on one or more of the following criteria: it is a conservative change, it occurs at a poorly conserved position in the protein, it is predicted to be benign by multiple in silico algorithms, and/or has population frequency not consistent with disease.

Laboratory for Molecular Medicine, Mass General Brigham Personalized Medicine
Classification: Likely benign. Last evaluated: 2012-03-19. Review status: criteria provided, single submitter. Criteria: LMM Criteria. Collection method: clinical testing. Allele origin: germline. Observed: 1 variant allele.
Comment: Lys1575Lys in exon 34 of MYH7: This variant is not expected to have clinical sig nificance because it does not alter an amino acid residue and is not located wit hin the splice consensus sequence. Lys1575Lys in exon 34 of MYH7 (allele freque ncy = n/a)

NM_000257.4(MYH7):c.4725G>A (p.Lys1575=)

Genes: MHRT (myosin heavy chain associated RNA transcript; plus strand), MYH7 (myosin heavy chain 7; minus strand), LOC126861897 (BRD4-independent group 4 enhancer GRCh37_chr14:23884455-23885654; plus strand). Cytogenetic location: 14q11.2.
Variant type: single nucleotide variant.
Coding change: c.4725G>A on transcript NM_000257.4 (MANE Select); coding-DNA position 4725, G replaced by A.
Protein change: p.Lys1575=; no amino-acid change (lysine 1575 retained).
Molecular consequence: synonymous variant. On other transcripts: non-coding transcript variant (1).
Genome position (GRCh38, 1-based): chr14:23,416,232, C>T on the plus strand (G>A on the coding strand, the complement: MYH7 is on the minus strand). VCF-style: chr14-23416232-C-T. GRCh37 (hg19) VCF-style: chr14-23885441-C-T.
Identifiers: ClinVar variation 178079 (VCV000178079.19), dbSNP rs45476496, ClinGen allele CA015268.
Genomic context (GRCh38, chr14:23,416,232, plus strand): 5'-GTCCACCACCCGCAGGTGGTTGCGCTTGGCCTGTTCCATCTCCTCGTCCTTCTCTGCCAG[C>T]TTCCGCTCGATCTCTGCCTTGATCTGGTTGAACTCCAGCTGGGCCCGGAGGATCTTGCCC-3'
Protein context (NP_000248.2, residues 1565-1585): FNQIKAEIER[Lys1575=]LAEKDEEMEQ